The following is an entry in ClinVar:

ClinVar aggregate classification (germline): Uncertain significance (1 of 4 stars; one submission).

Conditions:
Cardiovascular phenotype. Identifiers: MedGen CN230736.

Submission:

Ambry Genetics
Classification: Uncertain significance for Cardiovascular phenotype. Last evaluated: 2026-03-12. Review status: criteria provided, single submitter. Criteria: Ambry Variant Classification Scheme 2023. Collection method: clinical testing. Allele origin: germline.
Comment: The p.N161K variant (also known as c.483T>A), located in coding exon 4 of the PTPN11 gene, results from a T to A substitution at nucleotide position 483. The asparagine at codon 161 is replaced by lysine, an amino acid with similar properties. This amino acid position is conserved. In addition, this alteration is predicted to be tolerated by in silico analysis. Based on the available evidence, the clinical significance of this variant remains unclear.

NM_002834.5(PTPN11):c.483T>A (p.Asn161Lys)

Gene: PTPN11 (protein tyrosine phosphatase non-receptor type 11; plus strand). Cytogenetic location: 12q24.13.
Variant type: single nucleotide variant.
Coding change: c.483T>A on transcript NM_002834.5 (MANE Select); coding-DNA position 483, T replaced by A.
Protein change: p.Asn161Lys; replaces asparagine 161 with lysine.
Molecular consequence: missense variant.
Genome position (GRCh38, 1-based): chr12:112,453,345, T>A. VCF-style: chr12-112453345-T-A. GRCh37 (hg19) VCF-style: chr12-112891149-T-A.
Other names: c.483T>A, p.Asn161Lys (NM_001330437.2, NM_080601.3); c.480T>A, p.Asn160Lys (NM_001374625.1); short protein forms N161K, N160K.
Identifiers: ClinVar variation 4827563 (VCV004827563.1).